The following is an entry in ClinVar:

NM_005359.6(SMAD4):c.20C>G (p.Thr7Arg)

Gene: SMAD4 (SMAD family member 4; plus strand). Cytogenetic location: 18q21.2.
Variant type: single nucleotide variant.
Coding change: c.20C>G on transcript NM_005359.6 (MANE Select); coding-DNA position 20, C replaced by G.
Protein change: p.Thr7Arg; replaces threonine 7 with arginine.
Molecular consequence: missense variant.
Genome position (GRCh38, 1-based): chr18:51,047,066, C>G. VCF-style: chr18-51047066-C-G. GRCh37 (hg19) VCF-style: chr18-48573436-C-G.
Other names: short protein forms T7R.
Identifiers: ClinVar variation 963471 (VCV000963471.9), dbSNP rs372316981, ClinGen allele CA402457247.

ClinVar aggregate classification (germline): Uncertain significance (1 of 4 stars; one submission).

Conditions:
Juvenile polyposis syndrome (JPS). Identifiers: Orphanet 2929, MedGen C0345893, MONDO:0017380, OMIM 174900.

Submission:

Labcorp Genetics (formerly Invitae), Labcorp
Classification: Uncertain significance for Juvenile polyposis syndrome. Last evaluated: 2019-10-11. Review status: criteria provided, single submitter. Criteria: Invitae Variant Classification Sherloc (09022015). Collection method: clinical testing. Allele origin: germline.
Comment: This sequence change replaces threonine with arginine at codon 7 of the SMAD4 protein (p.Thr7Arg). The threonine residue is highly conserved and there is a moderate physicochemical difference between threonine and arginine. This variant is not present in population databases (ExAC no frequency). This variant has not been reported in the literature in individuals with SMAD4-related conditions. Algorithms developed to predict the effect of missense changes on protein structure and function are either unavailable or do not agree on the potential impact of this missense change (SIFT: "Deleterious"; PolyPhen-2: "Possibly Damaging"; Align-GVGD: "Class C15"). Algorithms developed to predict the effect of sequence changes on RNA splicing suggest that this variant may create or strengthen a splice site, but this prediction has not been confirmed by published transcriptional studies. In summary, the available evidence is currently insufficient to determine the role of this variant in disease. Therefore, it has been classified as a Variant of Uncertain Significance.